The following is an entry in ClinVar:

ClinVar aggregate classification (germline): Uncertain significance. Review status: criteria provided, multiple submitters, no conflicts (2 of 4 stars). 3 submissions from 3 submitters: Uncertain significance (3). Last evaluated 2025-05-05.

Conditions:
Developmental delay, hypotonia, musculoskeletal defects, and behavioral abnormalities. Identifiers: MedGen C5562012, MONDO:0859202, OMIM 619595.
Floating-Harbor syndrome (FLHS). Also called: Short stature with delayed bone age, expressive language delay, a triangular face with a prominent nose and deep-set eyes; Pelletier-Leisti syndrome; SRCAP-Related Floating-Harbor Syndrome. Identifiers: Orphanet 2044, MedGen C0729582, MONDO:0007621, OMIM 136140.
SRCAP-related disorder. Also called: SRCAP-related condition.

Allele frequency attached by ClinVar (database versions not stated): gnomAD exomes 0.00001.

Submissions (3):

PreventionGenetics, part of Exact Sciences
Classification: Uncertain significance for SRCAP-related condition. Last evaluated: 2025-05-05. Review status: criteria provided, single submitter. Criteria: ACMG Guidelines, 2015. Collection method: clinical testing. Allele origin: germline.
Comment: The SRCAP c.3586C>T variant is predicted to result in the amino acid substitution p.Arg1196Cys. To our knowledge, this variant has not been reported in the literature or in a large population database (gnomAD), indicating this variant is rare. At this time, the clinical significance of this variant is uncertain due to the absence of conclusive functional and genetic evidence.

Labcorp Genetics (formerly Invitae), Labcorp
Classification: Uncertain significance. Last evaluated: 2024-10-29. Review status: criteria provided, single submitter. Criteria: Invitae Variant Classification Sherloc (09022015). Collection method: clinical testing. Allele origin: germline.
Comment: This sequence change replaces arginine, which is basic and polar, with cysteine, which is neutral and slightly polar, at codon 1196 of the SRCAP protein (p.Arg1196Cys). This variant is not present in population databases (gnomAD no frequency). This variant has not been reported in the literature in individuals affected with SRCAP-related conditions. ClinVar contains an entry for this variant (Variation ID: 1925432). Invitae Evidence Modeling of protein sequence and biophysical properties (such as structural, functional, and spatial information, amino acid conservation, physicochemical variation, residue mobility, and thermodynamic stability) indicates that this missense variant is not expected to disrupt SRCAP protein function with a negative predictive value of 80%. In summary, the available evidence is currently insufficient to determine the role of this variant in disease. Therefore, it has been classified as a Variant of Uncertain Significance.

Fulgent Genetics
Classification: Uncertain significance for Floating-Harbor syndrome; Developmental delay, hypotonia, musculoskeletal defects, and behavioral abnormalities. Last evaluated: 2024-01-17. Review status: criteria provided, single submitter. Criteria: ACMG Guidelines, 2015. Collection method: clinical testing. Allele origin: germline.

NM_006662.3(SRCAP):c.3586C>T (p.Arg1196Cys)

Gene: SRCAP (Snf2 related CREBBP activator protein; plus strand). Cytogenetic location: 16p11.2.
Variant type: single nucleotide variant.
Coding change: c.3586C>T on transcript NM_006662.3 (MANE Select); coding-DNA position 3586, C replaced by T.
Protein change: p.Arg1196Cys; replaces arginine 1196 with cysteine.
Molecular consequence: missense variant.
Genome position (GRCh38, 1-based): chr16:30,722,166, C>T. VCF-style: chr16-30722166-C-T. GRCh37 (hg19) VCF-style: chr16-30733487-C-T.
Other names: c.3586C>T (NM_006662.2); short protein forms R1196C.
Identifiers: ClinVar variation 1925432 (VCV001925432.7), dbSNP rs375393051, ClinGen allele CA280512360.